The following is an entry in ClinVar:

ClinVar aggregate classification (germline): Likely benign. Review status: criteria provided, multiple submitters, no conflicts (2 of 4 stars). 2 submissions from 2 submitters: Likely benign (2). Last evaluated 2025-09-05.

Conditions:
Congenital myotonia, autosomal dominant form (THD). Also called: THOMSEN DISEASE; Myotonia congenita autosomal dominant. Identifiers: Orphanet 614, MedGen C2936781, MONDO:0008055, OMIM 160800.
Congenital myotonia, autosomal recessive form. Also called: BECKER DISEASE; Becker Generalized Myotonia; myotonia congenita, autosomal recessive. Identifiers: Orphanet 614, MedGen C0751360, MONDO:0009715, OMIM 255700.
CLCN1-related disorder. Also called: CLCN1-related condition.

Allele frequency attached by ClinVar (database versions not stated): gnomAD exomes below 0.00001; ExAC 0.00001; gnomAD 0.00001; 1000 Genomes Project 30x 0.00016; 1000 Genomes Project 0.00020.
gnomAD v4.1: 4 of 1,614,160 alleles (0.00025%); highest among the groups gnomAD compares: South Asian, 0.0033%; no homozygotes.

Submissions (2):

Labcorp Genetics (formerly Invitae), Labcorp
Classification: Likely benign for Congenital myotonia, autosomal recessive form; Congenital myotonia, autosomal dominant form. Last evaluated: 2025-09-05. Review status: criteria provided, single submitter. Criteria: Invitae Variant Classification Sherloc (09022015). Collection method: clinical testing. Allele origin: germline.

PreventionGenetics, part of Exact Sciences
Classification: Likely benign for CLCN1-related condition. Last evaluated: 2025-01-03. Review status: criteria provided, single submitter. Criteria: ACMG Guidelines, 2015. Collection method: clinical testing. Allele origin: germline.
Comment: This variant is classified as likely benign based on ACMG/AMP sequence variant interpretation guidelines (Richards et al. 2015 PMID: 25741868, with internal and published modifications).

NM_000083.3(CLCN1):c.434-10G>A

Gene: CLCN1 (chloride voltage-gated channel 1; plus strand). Cytogenetic location: 7q34.
Variant type: single nucleotide variant.
Coding change: c.434-10G>A on transcript NM_000083.3 (MANE Select); 10 bases into the intron before coding-DNA position 434, G replaced by A.
Molecular consequence: intron variant.
Genome position (GRCh38, 1-based): chr7:143,321,355, G>A. VCF-style: chr7-143321355-G-A. GRCh37 (hg19) VCF-style: chr7-143018448-G-A.
Identifiers: ClinVar variation 531740 (VCV000531740.10), dbSNP rs566067406, ClinGen allele CA4536951.
Genomic context (GRCh38, chr7:143,321,355, plus strand): 5'-ACACGTCCTGGTGCCGTGGACACGGCTGCTCAGCCATGTTCTGCCTAACCCCAGGCATGT[G>A]TCTCCGCAGCCTACAAGTGGTCCTACGCGCAGATGCAGCCCAGCCTTCCTCTGCAGTTCC-3'